The following is an entry in ClinVar:

ClinVar aggregate classification (germline): Uncertain significance (1 of 4 stars; one submission).

Conditions:
Amelocerebrohypohidrotic syndrome (KTZS). Also called: Kohlschutter's syndrome; EPILEPSY AND YELLOW TEETH; EPILEPSY, DEMENTIA, AND AMELOGENESIS IMPERFECTA; KOHLSCHUTTER SYNDROME. Identifiers: Orphanet 1946, MedGen C0406740, MONDO:0009185, OMIM 226750.

gnomAD v4.1: 1 of 1,613,918 alleles (0.000062%); no homozygotes.

Submission:

Labcorp Genetics (formerly Invitae), Labcorp
Classification: Uncertain significance for Amelocerebrohypohidrotic syndrome. Last evaluated: 2021-07-13. Review status: criteria provided, single submitter. Criteria: Invitae Variant Classification Sherloc (09022015). Collection method: clinical testing. Allele origin: germline.
Comment: This sequence change replaces aspartic acid with histidine at codon 187 of the ROGDI protein (p.Asp187His). The aspartic acid residue is highly conserved and there is a moderate physicochemical difference between aspartic acid and histidine. This variant is not present in population databases (ExAC no frequency). This variant has not been reported in the literature in individuals affected with ROGDI-related conditions. Algorithms developed to predict the effect of missense changes on protein structure and function (SIFT, PolyPhen-2, Align-GVGD) all suggest that this variant is likely to be disruptive. In summary, the available evidence is currently insufficient to determine the role of this variant in disease. Therefore, it has been classified as a Variant of Uncertain Significance.

NM_024589.3(ROGDI):c.559G>C (p.Asp187His)

Gene: ROGDI (rogdi atypical leucine zipper; minus strand). Cytogenetic location: 16p13.3.
Variant type: single nucleotide variant.
Coding change: c.559G>C on transcript NM_024589.3 (MANE Select); coding-DNA position 559, G replaced by C.
Protein change: p.Asp187His; replaces aspartic acid 187 with histidine.
Molecular consequence: missense variant. On other transcripts: non-coding transcript variant (1).
Genome position (GRCh38, 1-based): chr16:4,798,157, C>G on the plus strand (G>C on the coding strand, the complement: ROGDI is on the minus strand). VCF-style: chr16-4798157-C-G. GRCh37 (hg19) VCF-style: chr16-4848158-C-G.
Other names: short protein forms D187H.
Identifiers: ClinVar variation 1367184 (VCV001367184.8), dbSNP rs773589345, ClinGen allele CA394650569.